The following is an entry in ClinVar:

NM_006766.5(KAT6A):c.3525G>T (p.Leu1175Phe)

Gene: KAT6A (lysine acetyltransferase 6A; minus strand). Cytogenetic location: 8p11.21.
Variant type: single nucleotide variant.
Coding change: c.3525G>T on transcript NM_006766.5 (MANE Select); coding-DNA position 3525, G replaced by T.
Protein change: p.Leu1175Phe; replaces leucine 1175 with phenylalanine.
Molecular consequence: missense variant.
Genome position (GRCh38, 1-based): chr8:41,934,695, C>A on the plus strand (G>T on the coding strand, the complement: KAT6A is on the minus strand). VCF-style: chr8-41934695-C-A. GRCh37 (hg19) VCF-style: chr8-41792213-C-A.
Other names: short protein forms L1175F.
Identifiers: ClinVar variation 1966833 (VCV001966833.6), dbSNP rs2486758365, ClinGen allele CA371068957.

ClinVar aggregate classification (germline): Uncertain significance. Review status: criteria provided, multiple submitters, no conflicts (2 of 4 stars). 2 submissions from 2 submitters: Uncertain significance (2). Last evaluated 2024-01-14.

Conditions:
Autosomal dominant intellectual disability-craniofacial anomalies-cardiac defects syndrome (ARTHS). Also called: Arboleda-Tham syndrome; Mental retardation, autosomal dominant 32; KAT6A syndrome. Identifiers: Orphanet 457193, MedGen C4225396, MONDO:0014558, OMIM 616268.

Submissions (2):

Laboratorio de Genetica e Diagnostico Molecular, Hospital Israelita Albert Einstein
Classification: Uncertain significance for Autosomal dominant intellectual disability-craniofacial anomalies-cardiac defects syndrome. Last evaluated: 2024-01-14. Review status: criteria provided, single submitter. Criteria: ACMG Guidelines, 2015. Collection method: clinical testing. Allele origin: germline. Affected: yes.
Comment: ACMG classification criteria: PM2 moderate, BP4 supporting

Labcorp Genetics (formerly Invitae), Labcorp
Classification: Uncertain significance. Last evaluated: 2023-08-10. Review status: criteria provided, single submitter. Criteria: Invitae Variant Classification Sherloc (09022015). Collection method: clinical testing. Allele origin: germline.
Comment: In summary, the available evidence is currently insufficient to determine the role of this variant in disease. Therefore, it has been classified as a Variant of Uncertain Significance. Advanced modeling of protein sequence and biophysical properties (such as structural, functional, and spatial information, amino acid conservation, physicochemical variation, residue mobility, and thermodynamic stability) performed at Invitae indicates that this missense variant is not expected to disrupt KAT6A protein function. ClinVar contains an entry for this variant (Variation ID: 1966833). This variant has not been reported in the literature in individuals affected with KAT6A-related conditions. This variant is not present in population databases (gnomAD no frequency). This sequence change replaces leucine, which is neutral and non-polar, with phenylalanine, which is neutral and non-polar, at codon 1175 of the KAT6A protein (p.Leu1175Phe).